The following is an entry in ClinVar:

NM_004548.3(NDUFB10):c.400C>G (p.Gln134Glu)

Genes: NDUFB10 (NADH:ubiquinone oxidoreductase subunit B10; plus strand), LOC130058198 (ATAC-STARR-seq lymphoblastoid active region 10241; plus strand). Cytogenetic location: 16p13.3.
Variant type: single nucleotide variant.
Coding change: c.400C>G on transcript NM_004548.3 (MANE Select); coding-DNA position 400, C replaced by G.
Protein change: p.Gln134Glu; replaces glutamine 134 with glutamic acid.
Molecular consequence: missense variant.
Genome position (GRCh38, 1-based): chr16:1,961,627, C>G. VCF-style: chr16-1961627-C-G. GRCh37 (hg19) VCF-style: chr16-2011628-C-G.
Other names: short protein forms Q134E.
Identifiers: ClinVar variation 2715025 (VCV002715025.3), dbSNP rs777937812, ClinGen allele CA7823359.

ClinVar aggregate classification (germline): Uncertain significance (1 of 4 stars; one submission).

Allele frequency attached by ClinVar (database versions not stated): ExAC 0.00001; gnomAD 0.00002; TOPMed 0.00002.

Submission:

Labcorp Genetics (formerly Invitae), Labcorp
Classification: Uncertain significance. Last evaluated: 2024-01-10. Review status: criteria provided, single submitter. Criteria: Invitae Variant Classification Sherloc (09022015). Collection method: clinical testing. Allele origin: germline.
Comment: This sequence change replaces glutamine, which is neutral and polar, with glutamic acid, which is acidic and polar, at codon 134 of the NDUFB10 protein (p.Gln134Glu). This variant is not present in population databases (gnomAD no frequency). This variant has not been reported in the literature in individuals affected with NDUFB10-related conditions. An algorithm developed to predict the effect of missense changes on protein structure and function (PolyPhen-2) suggests that this variant is likely to be tolerated. In summary, the available evidence is currently insufficient to determine the role of this variant in disease. Therefore, it has been classified as a Variant of Uncertain Significance.